The following is an entry in ClinVar:

NM_000719.7(CACNA1C):c.1113+4C>T

Gene: CACNA1C (calcium voltage-gated channel subunit alpha1 C; plus strand). Cytogenetic location: 12p13.33.
Variant type: single nucleotide variant.
Coding change: c.1113+4C>T on transcript NM_000719.7 (MANE Select); 4 bases into the intron after coding-DNA position 1113, C replaced by T.
Molecular consequence: intron variant.
Genome position (GRCh38, 1-based): chr12:2,493,390, C>T. VCF-style: chr12-2493390-C-T. GRCh37 (hg19) VCF-style: chr12-2602556-C-T.
Other names: c.1113+4C>T (NM_001167624.3, NM_001167623.2, NM_001167625.2 and 18 more transcripts); c.1104+4C>T (NM_001129844.2).
Identifiers: ClinVar variation 198434 (VCV000198434.12), dbSNP rs747800763, ClinGen allele CA247087.
Genomic context (GRCh38, chr12:2,493,390, plus strand): 5'-ATGCTCACGGTGTTCCAGTGCATCACCATGGAGGGCTGGACGGACGTGCTGTACTGGGTA[C>T]GTAGCATGAGTGGGCAGTCAGAGGGTGGGGGAACAGCGGCCGTGAACCCTTCCCTGACAC-3'

ClinVar aggregate classification (germline): Uncertain significance. Review status: criteria provided, multiple submitters, no conflicts (2 of 4 stars). 3 submissions from 3 submitters: Uncertain significance (3). Last evaluated 2022-08-09.

Conditions:
Cardiovascular phenotype. Identifiers: MedGen CN230736.
Long QT syndrome (LQTS). Identifiers: MedGen C0023976, MeSH D008133, MONDO:0002442. Disease mechanism: loss of function. Inheritance: Various modes of inheritance.

Allele frequency attached by ClinVar (database versions not stated): ExAC 0.00001; gnomAD 0.00001; gnomAD exomes 0.00001 and below 0.00001; TOPMed 0.00001.
gnomAD v4.1: 16 of 1,606,472 alleles (0.001%); highest among the groups gnomAD compares: East Asian, 0.0067%; no homozygotes.

Submissions (3):

Labcorp Genetics (formerly Invitae), Labcorp
Classification: Uncertain significance for Long QT syndrome. Last evaluated: 2022-08-09. Review status: criteria provided, single submitter. Criteria: Invitae Variant Classification Sherloc (09022015). Collection method: clinical testing. Allele origin: germline.
Comment: This sequence change falls in intron 7 of the CACNA1C gene. It does not directly change the encoded amino acid sequence of the CACNA1C protein. It affects a nucleotide within the consensus splice site. This variant is present in population databases (rs747800763, gnomAD 0.006%). This variant has not been reported in the literature in individuals affected with CACNA1C-related conditions. ClinVar contains an entry for this variant (Variation ID: 198434). Variants that disrupt the consensus splice site are a relatively common cause of aberrant splicing (PMID: 17576681, 9536098). Algorithms developed to predict the effect of sequence changes on RNA splicing suggest that this variant is not likely to affect RNA splicing. In summary, the available evidence is currently insufficient to determine the role of this variant in disease. Therefore, it has been classified as a Variant of Uncertain Significance.

Ambry Genetics
Classification: Uncertain significance for Cardiovascular phenotype. Last evaluated: 2020-10-28. Review status: criteria provided, single submitter. Criteria: Ambry Variant Classification Scheme 2023. Collection method: clinical testing. Allele origin: germline.
Comment: The c.1113+4C>T intronic variant results from a C to T substitution 4 nucleotides after coding exon 7 in the CACNA1C gene. This nucleotide position is poorly conserved in available vertebrate species. In silico splice site analysis predicts that this alteration will not have any significant effect on splicing. Since supporting evidence is limited at this time, the clinical significance of this alteration remains unclear.

Eurofins Ntd Llc (ga)
Classification: Uncertain significance. Last evaluated: 2014-07-07. Review status: criteria provided, single submitter. Criteria: EGL Classification Definitions 2015. Collection method: clinical testing. Allele origin: germline. Observed: 1 variant allele, 1 heterozygote.

Literature cited by the submitters: PubMed 17576681 (cited by Labcorp Genetics (formerly Invitae), Labcorp); PubMed 9536098 (cited by Labcorp Genetics (formerly Invitae), Labcorp).